The following is an entry in ClinVar:

NM_017654.4(SAMD9):c.3249C>G (p.Phe1083Leu)

Gene: SAMD9 (sterile alpha motif domain containing 9; minus strand). Cytogenetic location: 7q21.2.
Variant type: single nucleotide variant.
Coding change: c.3249C>G on transcript NM_017654.4 (MANE Select); coding-DNA position 3249, C replaced by G.
Protein change: p.Phe1083Leu; replaces phenylalanine 1083 with leucine.
Molecular consequence: missense variant.
Genome position (GRCh38, 1-based): chr7:93,102,849, G>C on the plus strand (C>G on the coding strand, the complement: SAMD9 is on the minus strand). VCF-style: chr7-93102849-G-C. GRCh37 (hg19) VCF-style: chr7-92732162-G-C.
Other names: c.3249C>G, p.Phe1083Leu (NM_001193307.2); short protein forms F1083L.
Identifiers: ClinVar variation 3949651 (VCV003949651.1).

ClinVar aggregate classification (germline): Uncertain significance (1 of 4 stars; one submission).

Conditions:
Inborn genetic diseases. Identifiers: MedGen C0950123, MeSH D030342.

gnomAD v4.1: 1 of 1,613,842 alleles (0.000062%); highest among the groups gnomAD compares: Non-Finnish European, 0.000085%; no homozygotes.

Submission:

Ambry Genetics
Classification: Uncertain significance for Inborn genetic diseases. Last evaluated: 2025-05-19. Review status: criteria provided, single submitter. Criteria: Ambry Variant Classification Scheme 2023. Collection method: clinical testing. Allele origin: germline.
Comment: The p.F1083L variant (also known as c.3249C>G), located in coding exon 1 of the SAMD9 gene, results from a C to G substitution at nucleotide position 3249. The phenylalanine at codon 1083 is replaced by leucine, an amino acid with highly similar properties. This amino acid position is conserved. In addition, this alteration is predicted to be tolerated by in silico analysis. Based on the available evidence, the clinical significance of this variant remains unclear.